The following is an entry in ClinVar:

ClinVar aggregate classification (germline): Uncertain significance. Review status: criteria provided, multiple submitters, no conflicts (2 of 4 stars). 2 submissions from 2 submitters: Uncertain significance (2). Last evaluated 2022-08-31.

Conditions:
Familial temporal lobe epilepsy 7. Identifiers: Orphanet 101046, MedGen C4225327, MONDO:0014639, OMIM 616436.
Norman-Roberts syndrome (LIS2). Also called: Lissencephaly 2 (Norman-Roberts type). Identifiers: Orphanet 89844, MedGen C0796089, MONDO:0009760, OMIM 257320.

Allele frequency attached by ClinVar (database versions not stated): TOPMed below 0.00001; ExAC 0.00001.
gnomAD v4.1: 5 of 1,613,252 alleles (0.00031%); highest among the groups gnomAD compares: African/African-American, 0.0013%; no homozygotes.

Submissions (2):

Labcorp Genetics (formerly Invitae), Labcorp
Classification: Uncertain significance for Familial temporal lobe epilepsy 7; Norman-Roberts syndrome. Last evaluated: 2022-08-31. Review status: criteria provided, single submitter. Criteria: Invitae Variant Classification Sherloc (09022015). Collection method: clinical testing. Allele origin: germline.
Comment: This variant has not been reported in the literature in individuals affected with RELN-related conditions. ClinVar contains an entry for this variant (Variation ID: 475994). Algorithms developed to predict the effect of missense changes on protein structure and function (SIFT, PolyPhen-2, Align-GVGD) all suggest that this variant is likely to be tolerated. In summary, the available evidence is currently insufficient to determine the role of this variant in disease. Therefore, it has been classified as a Variant of Uncertain Significance. This sequence change replaces leucine, which is neutral and non-polar, with valine, which is neutral and non-polar, at codon 3136 of the RELN protein (p.Leu3136Val). This variant is not present in population databases (gnomAD no frequency).

Genetic Services Laboratory, University of Chicago
Classification: Uncertain significance. Last evaluated: 2017-08-01. Review status: criteria provided, single submitter. Criteria: ACMG Guidelines, 2015. Collection method: clinical testing. Allele origin: germline. Affected: no.

NM_005045.4(RELN):c.9406C>G (p.Leu3136Val)

Genes: RELN (reelin; minus strand), SLC26A5-AS1 (SLC26A5 antisense RNA 1; plus strand). Cytogenetic location: 7q22.1.
Variant type: single nucleotide variant.
Coding change: c.9406C>G on transcript NM_005045.4 (MANE Select); coding-DNA position 9406, C replaced by G.
Protein change: p.Leu3136Val; replaces leucine 3136 with valine.
Molecular consequence: missense variant.
Genome position (GRCh38, 1-based): chr7:103,491,990, G>C on the plus strand (C>G on the coding strand, the complement: RELN is on the minus strand). VCF-style: chr7-103491990-G-C. GRCh37 (hg19) VCF-style: chr7-103132437-G-C.
Other names: c.9406C>G, p.Leu3136Val (NM_173054.3); short protein forms L3136V.
Identifiers: ClinVar variation 475994 (VCV000475994.13), dbSNP rs767535167, ClinGen allele CA4420232.